The following is an entry in ClinVar:

ClinVar aggregate classification (germline): Likely pathogenic. Review status: reviewed by expert panel (3 of 4 stars). 4 submissions from 4 submitters: Likely pathogenic (1). 3 of the submissions do not count toward it. Last evaluated 2025-08-25.

Conditions:
BRCA2-related cancer predisposition. Identifiers: MedGen CN377758, MONDO:0700269.
Hereditary breast ovarian cancer syndrome. Also called: Hereditary breast and/or ovarian cancer syndrome; Hereditary breast and ovarian cancer syndrome; Hereditary breast and ovarian cancer; Hereditary breast and ovarian cancer syndrome (HBOC); Breast and ovarian cancer; BRCA1- and BRCA2-Associated Hereditary Breast and Ovarian Cancer. Identifiers: Orphanet 145, MedGen C0677776, MeSH D061325, MONDO:0003582. Disease mechanism: loss of function.
Hereditary cancer-predisposing syndrome. Also called: Hereditary neoplastic syndrome; Neoplastic Syndromes, Hereditary; Tumor predisposition; Hereditary Cancer Syndrome. Identifiers: Orphanet 140162, MedGen C0027672, MeSH D009386, MONDO:0015356.

Submissions (4):

ClinGen ENIGMA BRCA1 and BRCA2 Variant Curation Expert Panel, ClinGen
Classification: Likely pathogenic for BRCA2-related cancer predisposition. Last evaluated: 2025-08-25. Review status: reviewed by expert panel. Criteria: CSpec BRCA1/2ACMG Rules Specifications V1.2. Collection method: curation. Allele origin: germline. Inheritance: Autosomal dominant inheritance.
Comment: The c.-40+1G>A variant is an intronic variant within the native donor 1,2 splice site occurring in intron 1 of the BRCA2 gene. This variant is absent from gnomAD v4.1 (read depth ≥25) (PM2_Supporting met). Intronic variant, functional data considered only from assays that measure effect via mRNA and protein. Reported by one calibrated study incorporating mRNA splicing effects to exhibit protein function similar to pathogenic control variants (PMID:24395671) (PS3 met). They were compound heterozygous for the variant and a pathogenic or likely pathogenic variant confirmed to be in trans. Total points equated to 2 (PM3 met; PMIDs: 12065746, 12750298, 24395671, 26183081). This variant is reported to result in aberrant mRNA splicing. RT-PCR demonstrated that the variant impacts splicing by partial exon skipping (PMID: 24395671). The percent reference (full-length) and aberrant transcripts produced from the variant allele assessed using gel electrophoresis was not stated. Final code strength determined by the rubric: PVS1_N/A (RNA). In summary, this variant meets the criteria to be classified as a Likely pathogenic variant for BRCA2-related cancer predisposition based on the ACMG/AMP criteria applied as specified by the ENIGMA BRCA1/2 VCEP (PM2_Supporting, PS3, PM3).

Labcorp Genetics (formerly Invitae), Labcorp
Classification: Likely pathogenic for Hereditary breast ovarian cancer syndrome. Last evaluated: 2026-01-05. Review status: criteria provided, single submitter. Criteria: Invitae Variant Classification Sherloc (09022015). Collection method: clinical testing. Allele origin: germline. Not counted in ClinVar's aggregate classification.
Comment: This variant occurs in a non-coding region of the BRCA2 gene. It does not change the encoded amino acid sequence of the BRCA2 protein. This variant is not present in population databases (gnomAD no frequency). Disruption of this splice site has been observed in individual(s) with clinical features of Fanconi anemia (PMID: 24395671, 38685107). In at least one individual the data is consistent with being in trans (on the opposite chromosome) from a pathogenic variant. ClinVar contains an entry for this variant (Variation ID: 940200). Algorithms developed to predict the effect of variants on gene product structure and function are not available or were not evaluated for this variant. Experimental studies have shown that this variant affects BRCA2 function (PMID: 24395671). Studies have shown that this variant is associated with altered splicing resulting in alteration to a non-coding region of the gene (PMID: 24395671). In summary, the currently available evidence indicates that the variant is pathogenic, but additional data are needed to prove that conclusively. Therefore, this variant has been classified as Likely Pathogenic.

Ambry Genetics
Classification: Likely pathogenic for Hereditary cancer-predisposing syndrome. Last evaluated: 2024-07-31. Review status: criteria provided, single submitter. Criteria: Ambry Variant Classification Scheme 2023. Collection method: clinical testing. Allele origin: germline. Not counted in ClinVar's aggregate classification.
Comment: The c.-40+1G>A intronic variant is located in the 5' untranslated region (5&rsquo; UTR) of the BRCA2 gene. This intronic variant results from a G to A substitution one nucleotide after the first non-coding exon. This alteration has been reported in trans with a pathogenic mutation in BRCA2 in an individual diagnosed with Fanconi anemia (Bakker JL et al. Hum. Mutat. 2014 Apr;35(4):442-6). In addition, this variant was reported to result in reduced viability in a mouse ES cell model of survival and to confer increased sensitivity to multiple DNA damaging agents and IR (Bakker JL et al. Hum. Mutat. 2014 Apr;35(4):442-6). This nucleotide position is highly conserved in available vertebrate species. In silico splice site analysis predicts that this alteration will weaken the native splice donor site. RNA studies have demonstrated that this alteration results in an aberrant transcript in which 99 nucleotides in the untranslated region of the gene are deleted. However, as severely reduced expression of the BRCA2 transcript was observed, it was suspected that this region may impact regulatory elements impacting the expression of BRCA2, and that the aberrant transcript may largely be lost. A similar splicing impact was observed for a close match alteration, c.-40+2T>C (Ambry internal data). Based on the majority of available evidence to date, this variant is likely to be pathogenic. However, because this variant has been identified in a patient with Fanconi Anemia, it may be hypomorphic and thus, carriers of this variant and their families may present with reduced risks, and not with the typical clinical characteristics of a high-risk pathogenic BRCA2 alteration. As risk estimates are unknown at this time, clinical correlation is advised.

Department of Pathology and Laboratory Medicine, Sinai Health System
Classification: Likely pathogenic for BRCA2-related cancer predisposition. Review status: criteria provided, single submitter. Criteria: ACMG Guidelines, 2015. Collection method: clinical testing. Allele origin: germline. Not counted in ClinVar's aggregate classification.

Literature cited by the submitters: PubMed 24395671 (cited by Labcorp Genetics (formerly Invitae), Labcorp and Ambry Genetics); PubMed 38685107 (cited by Labcorp Genetics (formerly Invitae), Labcorp); PubMed 12750298 (cited by Ambry Genetics).

NM_000059.4(BRCA2):c.-40+1G>A

Genes: BRCA2 (BRCA2 DNA repair associated; plus strand), LOC106721785 (BRCA2 promoter/silencer region; plus strand). Cytogenetic location: 13q13.1.
Variant type: single nucleotide variant.
Coding change: c.-40+1G>A on transcript NM_000059.4 (MANE Select); the canonical splice donor site of the intron after 40 bases upstream of the start codon, G replaced by A.
Molecular consequence: splice donor variant.
Genome position (GRCh38, 1-based): chr13:32,315,668, G>A. VCF-style: chr13-32315668-G-A. GRCh37 (hg19) VCF-style: chr13-32889805-G-A.
Other names: c.-40+1G>A (NM_001406720.1, NM_001406719.1, NM_001406721.1); c.-303+1G>A (NM_001406722.1).
Identifiers: ClinVar variation 940200 (VCV000940200.13), dbSNP rs2072249096, ClinGen allele CA1139663040.